The following is an entry in ClinVar:

NM_017755.6(NSUN2):c.2025C>G (p.Ile675Met)

Gene: NSUN2 (NOP2/Sun RNA methyltransferase 2; minus strand). Cytogenetic location: 5p15.31.
Variant type: single nucleotide variant.
Coding change: c.2025C>G on transcript NM_017755.6 (MANE Select); coding-DNA position 2025, C replaced by G.
Protein change: p.Ile675Met; replaces isoleucine 675 with methionine.
Molecular consequence: missense variant. On other transcripts: non-coding transcript variant (1).
Genome position (GRCh38, 1-based): chr5:6,600,205, G>C on the plus strand (C>G on the coding strand, the complement: NSUN2 is on the minus strand). VCF-style: chr5-6600205-G-C. GRCh37 (hg19) VCF-style: chr5-6600318-G-C.
Other names: c.1920C>G, p.Ile640Met (NM_001193455.2); short protein forms I640M, I675M.
Identifiers: ClinVar variation 904563 (VCV000904563.12), dbSNP rs139224594, ClinGen allele CA3192205.

ClinVar aggregate classification (germline): Uncertain significance. Review status: criteria provided, multiple submitters, no conflicts (2 of 4 stars). 4 submissions from 4 submitters: Uncertain significance (4). Last evaluated 2025-03-19.

Conditions:
Intellectual developmental disorder, autosomal recessive 5. Also called: Intellectual disability, autosomal recessive 5. Identifiers: Orphanet 88616, MedGen C1970199, MONDO:0012613, OMIM 611091.
Inborn genetic diseases. Identifiers: MedGen C0950123, MeSH D030342.

Allele frequency attached by ClinVar (database versions not stated): ESP Exome Variant Server 0.00008; TOPMed 0.00010.
gnomAD v4.1: 241 of 1,614,024 alleles (0.015%); highest among the groups gnomAD compares: Non-Finnish European, 0.018%; no homozygotes.

Submissions (4):

Victorian Clinical Genetics Services, Murdoch Childrens Research Institute
Classification: Uncertain significance for Intellectual developmental disorder, autosomal recessive 5. Last evaluated: 2025-03-19. Review status: criteria provided, single submitter. Criteria: ACMG Guidelines, 2015. Collection method: clinical testing. Allele origin: germline. Affected: yes.
Comment: This variant is classified as VUS-3A. Evidence in support of pathogenic classification: Variant is present in gnomAD <0.01 for a recessive condition (v4: 241 heterozygote(s), 0 homozygote(s)); Heterozygous variant detected in trans with a PATHOGENIC heterozygous variant (NM_017755.6(NSUN2):c.69del; p.(Glu24Argfs*55)) in a recessive disease. Additional information: Variant is predicted to result in a missense amino acid change from isoleucine to methionine; This variant is heterozygous; This gene is associated with autosomal recessive disease; Alternative amino acid change(s) at the same position are present in gnomAD (highest allele count: v4: 4 heterozygote(s), 0 homozygote(s)); Previous evidence of pathogenicity for this variant is inconclusive. This variant has been classified as a VUS by clinical laboratories in ClinVar; No published segregation evidence has been identified for this variant; No published functional evidence has been identified for this variant; No comparable missense variants have previous evidence for pathogenicity; Variant is not located in an established domain, motif, hotspot or informative constraint region; Missense variant with inconclusive in silico prediction and uninformative conservation; Loss of function is a known mechanism of disease in this gene and is associated with autosomal recessive intellectual developmental disorder 5 (MIM#611091).

Ambry Genetics
Classification: Uncertain significance for Inborn genetic diseases. Last evaluated: 2024-12-09. Review status: criteria provided, single submitter. Criteria: Ambry Variant Classification Scheme 2023. Collection method: clinical testing. Allele origin: germline.

Labcorp Genetics (formerly Invitae), Labcorp
Classification: Uncertain significance. Last evaluated: 2023-05-08. Review status: criteria provided, single submitter. Criteria: Invitae Variant Classification Sherloc (09022015). Collection method: clinical testing. Allele origin: germline.
Comment: In summary, the available evidence is currently insufficient to determine the role of this variant in disease. Therefore, it has been classified as a Variant of Uncertain Significance. Advanced modeling of protein sequence and biophysical properties (such as structural, functional, and spatial information, amino acid conservation, physicochemical variation, residue mobility, and thermodynamic stability) performed at Invitae indicates that this missense variant is not expected to disrupt NSUN2 protein function. ClinVar contains an entry for this variant (Variation ID: 904563). This variant has not been reported in the literature in individuals affected with NSUN2-related conditions. This variant is present in population databases (rs139224594, gnomAD 0.01%). This sequence change replaces isoleucine, which is neutral and non-polar, with methionine, which is neutral and non-polar, at codon 675 of the NSUN2 protein (p.Ile675Met).

Illumina Laboratory Services, Illumina
Classification: Uncertain significance for Intellectual developmental disorder, autosomal recessive 5. Last evaluated: 2018-01-12. Review status: criteria provided, single submitter. Criteria: ICSL Variant Classification Criteria 13 December 2019. Collection method: clinical testing. Allele origin: germline.